The following is an entry in ClinVar:

ClinVar aggregate classification (germline): Uncertain significance. Review status: criteria provided, multiple submitters, no conflicts (2 of 4 stars). 7 submissions from 7 submitters: Uncertain significance (7). Last evaluated 2026-10-01.

Conditions:
Hereditary cancer-predisposing syndrome. Also called: Neoplastic Syndromes, Hereditary; Hereditary neoplastic syndrome; Hereditary Cancer Syndrome; Tumor predisposition. Identifiers: Orphanet 140162, MedGen C0027672, MeSH D009386, MONDO:0015356.
Endometrial carcinoma. Also called: Endometrial carcinoma, somatic. Identifiers: MedGen C0476089, MONDO:0002447, OMIM 608089, HP:0012114.
MSH3-related disorder. Also called: MSH3-related condition.
Familial adenomatous polyposis 4 (FAP4). Also called: MSH3-related attenuated familial adenomatous polyposis. Identifiers: Orphanet 480536, MedGen C4310719, MONDO:0044300, OMIM 617100.

Allele frequency attached by ClinVar (database versions not stated): ExAC 0.00001; gnomAD exomes 0.00001; gnomAD 0.00005; TOPMed 0.00011.

Submissions (7):

St. Jude Molecular Pathology, St. Jude Children's Research Hospital
Classification: Uncertain significance for Familial adenomatous polyposis 4. Last evaluated: 2026-10-01. Review status: criteria provided, single submitter. Criteria: St. Jude Assertion Criteria 2020. Collection method: clinical testing. Allele origin: germline.
Comment: The MSH3 c.331_333del p.(Ser111del) change deletes three nucleotides at position 331-333 resulting in an in-frame deletion of one amino acid at codon 111. This variant has a maximum subpopulation frequency of 0.02% in gnomAD v2.1.1. To our knowledge, this variant has not been reported in individuals with MSH3-associated polyposis syndrome. In summary, the evidence currently available is insufficient to determ ine the clinical significance of this variant. It has therefore been classified as of uncertain significance (VUS-Low).

Labcorp Genetics (formerly Invitae), Labcorp
Classification: Uncertain significance. Last evaluated: 2026-01-01. Review status: criteria provided, single submitter. Criteria: Invitae Variant Classification Sherloc (09022015). Collection method: clinical testing. Allele origin: germline.
Comment: This variant, c.331_333del, results in the deletion of 1 amino acid(s) of the MSH3 protein (p.Ser111del), but otherwise preserves the integrity of the reading frame. This variant is present in population databases (rs753775000, gnomAD 0.02%). This variant has not been reported in the literature in individuals affected with MSH3-related conditions. ClinVar contains an entry for this variant (Variation ID: 653785). Experimental studies and prediction algorithms are not available or were not evaluated, and the functional significance of this variant is currently unknown. In summary, the available evidence is currently insufficient to determine the role of this variant in disease. Therefore, it has been classified as a Variant of Uncertain Significance.

PreventionGenetics, part of Exact Sciences
Classification: Uncertain significance for MSH3-related condition. Last evaluated: 2025-12-26. Review status: criteria provided, single submitter. Criteria: ACMG Guidelines, 2015. Collection method: clinical testing. Allele origin: germline.
Comment: The MSH3 c.331_333delAGT variant is predicted to result in an in-frame deletion (p.Ser111del). To our knowledge, this variant has not been reported in the literature. This variant is reported in 0.018% of alleles in individuals of African descent in gnomAD and is interpreted as uncertain in ClinVar (Variation ID: 653785). At this time, the clinical significance of this variant is uncertain due to the absence of conclusive functional and genetic evidence.

GeneDx
Classification: Uncertain significance. Last evaluated: 2025-01-27. Review status: criteria provided, single submitter. Criteria: GeneDx Variant Classification Process June 2021. Collection method: clinical testing. Allele origin: germline.
Comment: In-frame deletion of one amino acid in a non-repeat region; In silico analysis indicates that this variant does not alter protein structure/function; Has not been previously published as pathogenic or benign to our knowledge

Baylor Genetics
Classification: Uncertain significance for Endometrial carcinoma. Last evaluated: 2024-03-27. Review status: criteria provided, single submitter. Criteria: ACMG Guidelines, 2015. Collection method: clinical testing. Allele origin: unknown.

Ambry Genetics
Classification: Uncertain significance for Hereditary cancer-predisposing syndrome. Last evaluated: 2023-12-01. Review status: criteria provided, single submitter. Criteria: Ambry Variant Classification Scheme 2023. Collection method: clinical testing. Allele origin: germline.
Comment: The c.331_333delAGT variant (also known as p.S111del) is located in coding exon 2 of the MSH3 gene. This variant results from an in-frame AGT deletion at nucleotide positions 331 to 333. This results in the in-frame deletion of a serine at codon 111. This amino acid position is not well conserved in available vertebrate species. In addition, this alteration is predicted to be neutral by in silico analysis (Choi Y et al. PLoS ONE. 2012; 7(10):e46688). Since supporting evidence is limited at this time, the clinical significance of this alteration remains unclear.

Quest Diagnostics Nichols Institute San Juan Capistrano
Classification: Uncertain significance. Last evaluated: 2021-08-26. Review status: criteria provided, single submitter. Criteria: Quest Diagnostics criteria. Collection method: clinical testing. Allele origin: unknown.

NM_002439.5(MSH3):c.331_333del (p.Ser111del)

Gene: MSH3 (mutS homolog 3; plus strand). Cytogenetic location: 5q14.1.
Variant type: Deletion.
Coding change: c.331_333del on transcript NM_002439.5 (MANE Select); coding-DNA positions 331 to 333, 3 bases deleted (AGT; older notation c.331_333delAGT).
Protein change: p.Ser111del; deletes serine 111.
Molecular consequence: inframe deletion.
Genome position (GRCh38, 1-based): chr5:80,656,504-80,656,506, AGT deleted. VCF-style (leftmost placement, unchanged base first): chr5-80656503-AAGT-A. GRCh37 (hg19) VCF-style: chr5-79952322-AAGT-A.
Other names: c.331_333del (NM_002439.4); short protein forms S111del.
Identifiers: ClinVar variation 653785 (VCV000653785.20), dbSNP rs753775000, ClinGen allele CA3327566.